The following is an entry in ClinVar:

ClinVar aggregate classification (germline): Uncertain significance. Review status: criteria provided, multiple submitters, no conflicts (2 of 4 stars). 2 submissions from 2 submitters: Uncertain significance (2). Last evaluated 2025-07-08.

Conditions:
Cardiomyopathy (CMYO). Also called: Cardiomyopathies. Identifiers: Orphanet 167848, MedGen C0878544, MONDO:0004994, HP:0001638. Inheritance: Various modes of inheritance.
Catecholaminergic polymorphic ventricular tachycardia 1. Also called: VENTRICULAR TACHYCARDIA, CATECHOLAMINERGIC POLYMORPHIC, 1, WITH OR WITHOUT ATRIAL DYSFUNCTION AND/OR DILATED CARDIOMYOPATHY; VENTRICULAR TACHYCARDIA, STRESS-INDUCED POLYMORPHIC 1; RYR2-Related Catecholaminergic Polymorphic Ventricular Tachycardia. Identifiers: Orphanet 3286, MedGen C1631597, MONDO:0011484, OMIM 604772.

gnomAD v4.1: 13 of 1,608,588 alleles (0.00081%); highest among the groups gnomAD compares: Non-Finnish European, 0.001%; no homozygotes.

Submissions (2):

Color Diagnostics, LLC DBA Color Health
Classification: Uncertain significance for Cardiomyopathy. Last evaluated: 2025-07-08. Review status: criteria provided, single submitter. Criteria: ACMG Guidelines, 2015. Collection method: clinical testing. Allele origin: germline.
Comment: This missense variant replaces aspartic acid with asparagine at codon 3655 of the RYR2 protein. Computational prediction suggests that this variant may not impact protein structure and function. To our knowledge, functional studies have not been reported for this variant. This variant has not been reported in individuals affected with RYR2-related disorders in the literature. This variant has been identified in 1/246686 chromosomes in the general population by the Genome Aggregation Database (gnomAD). The available evidence is insufficient to determine the role of this variant in disease conclusively. Therefore, this variant is classified as a Variant of Uncertain Significance.

Labcorp Genetics (formerly Invitae), Labcorp
Classification: Uncertain significance for Catecholaminergic polymorphic ventricular tachycardia 1. Last evaluated: 2024-11-26. Review status: criteria provided, single submitter. Criteria: Invitae Variant Classification Sherloc (09022015). Collection method: clinical testing. Allele origin: germline.
Comment: This sequence change replaces aspartic acid, which is acidic and polar, with asparagine, which is neutral and polar, at codon 3655 of the RYR2 protein (p.Asp3655Asn). This variant is present in population databases (no rsID available, gnomAD 0.0009%). This variant has not been reported in the literature in individuals affected with RYR2-related conditions. Invitae Evidence Modeling of protein sequence and biophysical properties (such as structural, functional, and spatial information, amino acid conservation, physicochemical variation, residue mobility, and thermodynamic stability) indicates that this missense variant is not expected to disrupt RYR2 protein function with a negative predictive value of 95%. In summary, the available evidence is currently insufficient to determine the role of this variant in disease. Therefore, it has been classified as a Variant of Uncertain Significance.

NM_001035.3(RYR2):c.10963G>A (p.Asp3655Asn)

Gene: RYR2 (ryanodine receptor 2; plus strand). Cytogenetic location: 1q43.
Variant type: single nucleotide variant.
Coding change: c.10963G>A on transcript NM_001035.3 (MANE Select); coding-DNA position 10963, G replaced by A.
Protein change: p.Asp3655Asn; replaces aspartic acid 3655 with asparagine.
Molecular consequence: missense variant.
Genome position (GRCh38, 1-based): chr1:237,732,073, G>A. VCF-style: chr1-237732073-G-A. GRCh37 (hg19) VCF-style: chr1-237895373-G-A.
Other names: short protein forms D3655N.
Identifiers: ClinVar variation 3666916 (VCV003666916.3).